The following is an entry in ClinVar:

NM_022455.5(NSD1):c.3401G>T (p.Gly1134Val)

Gene: NSD1 (nuclear receptor binding SET domain protein 1; plus strand). Cytogenetic location: 5q35.3.
Variant type: single nucleotide variant.
Coding change: c.3401G>T on transcript NM_022455.5 (MANE Select); coding-DNA position 3401, G replaced by T.
Protein change: p.Gly1134Val; replaces glycine 1134 with valine.
Molecular consequence: missense variant.
Genome position (GRCh38, 1-based): chr5:177,211,800, G>T. VCF-style: chr5-177211800-G-T. GRCh37 (hg19) VCF-style: chr5-176638801-G-T.
Other names: c.2528G>T, p.Gly843Val (NM_001409308.1, NM_001409309.1, NM_172349.5 and 3 more transcripts); c.3401G>T, p.Gly1134Val (NM_001409302.1, NM_001409303.1, NM_001409301.1); c.2981G>T, p.Gly994Val (NM_001409304.1); c.2648G>T, p.Gly883Val (NM_001409305.1); short protein forms G883V, G994V, G843V, G1134V.
Identifiers: ClinVar variation 3684737 (VCV003684737.2).
Genomic context (GRCh38, chr5:177,211,800, plus strand): 5'-TTAAGCAATCTGATCCTGGTAAAATTTCTGAAAAAGGACTCTCTTTTGAAAACGGAAAAG[G>T]CCCAGAGCTGGACTCTGTAATGAACAGTGAGAATGATGAACTCAATGGTGTAAATCAAGT-3'
Protein context (NP_071900.2, residues 1124-1144): EKGLSFENGK[Gly1134Val]PELDSVMNSE

ClinVar aggregate classification (germline): Uncertain significance (1 of 4 stars; one submission).

Submission:

Labcorp Genetics (formerly Invitae), Labcorp
Classification: Uncertain significance. Last evaluated: 2024-07-01. Review status: criteria provided, single submitter. Criteria: Invitae Variant Classification Sherloc (09022015). Collection method: clinical testing. Allele origin: germline.
Comment: This sequence change replaces glycine, which is neutral and non-polar, with valine, which is neutral and non-polar, at codon 1134 of the NSD1 protein (p.Gly1134Val). This variant is not present in population databases (gnomAD no frequency). This variant has not been reported in the literature in individuals affected with NSD1-related conditions. Advanced modeling of protein sequence and biophysical properties (such as structural, functional, and spatial information, amino acid conservation, physicochemical variation, residue mobility, and thermodynamic stability) performed at Invitae indicates that this missense variant is not expected to disrupt NSD1 protein function with a negative predictive value of 95%. In summary, the available evidence is currently insufficient to determine the role of this variant in disease. Therefore, it has been classified as a Variant of Uncertain Significance.